The following is an entry in ClinVar:

ClinVar aggregate classification (germline): Uncertain significance (1 of 4 stars; one submission).

Conditions:
Gingival disorder. Also called: Gingival disease. Identifiers: MedGen C0017563, MONDO:0002021.

Allele frequency attached by ClinVar (database versions not stated): TOPMed below 0.00001.

Submission:

Labcorp Genetics (formerly Invitae), Labcorp
Classification: Uncertain significance for Gingival disorder. Last evaluated: 2019-05-08. Review status: criteria provided, single submitter. Criteria: Invitae Variant Classification Sherloc (09022015). Collection method: clinical testing. Allele origin: germline.
Comment: In summary, the available evidence is currently insufficient to determine the role of this variant in disease. Therefore, it has been classified as a Variant of Uncertain Significance. Algorithms developed to predict the effect of missense changes on protein structure and function are either unavailable or do not agree on the potential impact of this missense change (SIFT: "Deleterious"; PolyPhen-2: "Benign"; Align-GVGD: "Class C0"). This variant has not been reported in the literature in individuals with FPR1-related conditions. This variant is not present in population databases (ExAC no frequency). This sequence change replaces methionine with valine at codon 275 of the FPR1 protein (p.Met275Val). The methionine residue is weakly conserved and there is a small physicochemical difference between methionine and valine.

NM_002029.4(FPR1):c.823A>G (p.Met275Val)

Gene: FPR1 (formyl peptide receptor 1; minus strand). Cytogenetic location: 19q13.41.
Variant type: single nucleotide variant.
Coding change: c.823A>G on transcript NM_002029.4 (MANE Select); coding-DNA position 823, A replaced by G.
Protein change: p.Met275Val; replaces methionine 275 with valine.
Molecular consequence: missense variant.
Genome position (GRCh38, 1-based): chr19:51,746,172, T>C on the plus strand (A>G on the coding strand, the complement: FPR1 is on the minus strand). VCF-style: chr19-51746172-T-C. GRCh37 (hg19) VCF-style: chr19-52249425-T-C.
Other names: c.823A>G, p.Met275Val (NM_001193306.2); short protein forms M275V.
Identifiers: ClinVar variation 952169 (VCV000952169.11), dbSNP rs2083742597, ClinGen allele CA407116350.